The following is an entry in ClinVar:

ClinVar aggregate classification (germline): Uncertain significance. Review status: criteria provided, multiple submitters, no conflicts (2 of 4 stars). 2 submissions from 2 submitters: Uncertain significance (2). Last evaluated 2025-09-05.

Conditions:
Long QT syndrome (LQTS). Identifiers: MedGen C0023976, MeSH D008133, MONDO:0002442. Disease mechanism: loss of function. Inheritance: Various modes of inheritance.

Allele frequency attached by ClinVar (database versions not stated): TOPMed below 0.00001; gnomAD 0.00001.
gnomAD v4.1: 2 of 1,614,018 alleles (0.00012%); highest among the groups gnomAD compares: African/African-American, 0.0013%; no homozygotes.

Submissions (2):

Labcorp Genetics (formerly Invitae), Labcorp
Classification: Uncertain significance for Long QT syndrome. Last evaluated: 2025-09-05. Review status: criteria provided, single submitter. Criteria: Invitae Variant Classification Sherloc (09022015). Collection method: clinical testing. Allele origin: germline.
Comment: This sequence change replaces isoleucine, which is neutral and non-polar, with threonine, which is neutral and polar, at codon 107 of the CAV3 protein (p.Ile107Thr). This variant is not present in population databases (gnomAD no frequency). This variant has not been reported in the literature in individuals affected with CAV3-related conditions. ClinVar contains an entry for this variant (Variation ID: 2169650). An algorithm developed to predict the effect of missense changes on protein structure and function (PolyPhen-2) suggests that this variant is likely to be disruptive. In summary, the available evidence is currently insufficient to determine the role of this variant in disease. Therefore, it has been classified as a Variant of Uncertain Significance.

GeneDx
Classification: Uncertain significance. Last evaluated: 2023-02-22. Review status: criteria provided, single submitter. Criteria: GeneDx Variant Classification Process June 2021. Collection method: clinical testing. Allele origin: germline. Affected: yes.
Comment: Not observed at significant frequency in large population cohorts (gnomAD); Missense variants in this gene are often considered pathogenic (HGMD); In silico analysis supports that this missense variant has a deleterious effect on protein structure/function; Has not been previously published as pathogenic or benign to our knowledge

NM_033337.3(CAV3):c.320T>C (p.Ile107Thr)

Genes: CAV3 (caveolin 3; plus strand), OXTR (oxytocin receptor; minus strand). Cytogenetic location: 3p25.3.
Variant type: single nucleotide variant.
Coding change: c.320T>C on transcript NM_033337.3 (MANE Select); coding-DNA position 320, T replaced by C.
Protein change: p.Ile107Thr; replaces isoleucine 107 with threonine.
Molecular consequence: missense variant.
Genome position (GRCh38, 1-based): chr3:8,745,731, T>C. VCF-style: chr3-8745731-T-C. GRCh37 (hg19) VCF-style: chr3-8787417-T-C.
Other names: c.320T>C, p.Ile107Thr (NM_001234.5); short protein forms I107T.
Identifiers: ClinVar variation 2169650 (VCV002169650.5), dbSNP rs1390071903, ClinGen allele CA351663510.